The following is an entry in ClinVar:

NM_001377540.1(SLMAP):c.523G>A (p.Ala175Thr)

Gene: SLMAP (sarcolemma associated protein; plus strand). Cytogenetic location: 3p14.3.
Variant type: single nucleotide variant.
Coding change: c.523G>A on transcript NM_001377540.1 (MANE Select); coding-DNA position 523, G replaced by A.
Protein change: p.Ala175Thr; replaces alanine 175 with threonine.
Molecular consequence: missense variant. On other transcripts: non-coding transcript variant (1).
Genome position (GRCh38, 1-based): chr3:57,857,736, G>A. VCF-style: chr3-57857736-G-A. GRCh37 (hg19) VCF-style: chr3-57843463-G-A.
Other names: c.523G>A, p.Ala175Thr (NM_001304420.3, NM_001304421.2, NM_001377538.1 and 17 more transcripts); short protein forms A175T.
Identifiers: ClinVar variation 4718209 (VCV004718209.1).

ClinVar aggregate classification (germline): Uncertain significance (1 of 4 stars; one submission).

Conditions:
Brugada syndrome. Also called: Sudden unexpected nocturnal death syndrome; Sudden unexplained nocturnal death syndrome; Sudden Unexplained Death Syndrome; Sudden Unexplained Nocturnal Death Syndrome (SUNDS). Identifiers: Orphanet 130, MedGen C1142166, MONDO:0015263.

Submission:

Labcorp Genetics (formerly Invitae), Labcorp
Classification: Uncertain significance for Brugada syndrome. Last evaluated: 2025-04-23. Review status: criteria provided, single submitter. Criteria: Invitae Variant Classification Sherloc (09022015). Collection method: clinical testing. Allele origin: germline.
Comment: This sequence change replaces alanine, which is neutral and non-polar, with threonine, which is neutral and polar, at codon 175 of the SLMAP protein (p.Ala175Thr). This variant is not present in population databases (gnomAD no frequency). This variant has not been reported in the literature in individuals affected with SLMAP-related conditions. An algorithm developed to predict the effect of missense changes on protein structure and function (PolyPhen-2) suggests that this variant is likely to be disruptive. In summary, the available evidence is currently insufficient to determine the role of this variant in disease. Therefore, it has been classified as a Variant of Uncertain Significance.